The following is an entry in ClinVar:

ClinVar aggregate classification (germline): Uncertain significance (1 of 4 stars; one submission).

Conditions:
KAT6B-related disorder. Also called: KAT6B-related disorders; KAT6B-related condition.

Submission:

PreventionGenetics, part of Exact Sciences
Classification: Uncertain significance for KAT6B-related condition. Last evaluated: 2023-07-10. Review status: criteria provided, single submitter. Criteria: ACMG Guidelines, 2015. Collection method: clinical testing. Allele origin: germline.
Comment: The KAT6B c.1204A>G variant is predicted to result in the amino acid substitution p.Thr402Ala. To our knowledge, this variant has not been reported in the literature or in a large population database, indicating this variant is rare. At this time, the clinical significance of this variant is uncertain due to the absence of conclusive functional and genetic evidence.

NM_012330.4(KAT6B):c.1204A>G (p.Thr402Ala)

Gene: KAT6B (lysine acetyltransferase 6B; plus strand). Cytogenetic location: 10q22.2.
Variant type: single nucleotide variant.
Coding change: c.1204A>G on transcript NM_012330.4 (MANE Select); coding-DNA position 1204, A replaced by G.
Protein change: p.Thr402Ala; replaces threonine 402 with alanine.
Molecular consequence: missense variant. On other transcripts: intron variant (11).
Genome position (GRCh38, 1-based): chr10:74,975,541, A>G. VCF-style: chr10-74975541-A-G. GRCh37 (hg19) VCF-style: chr10-76735299-A-G.
Other names: c.1204A>G, p.Thr402Ala (NM_001256468.2, NM_001370136.1, NM_001370137.1 and 1 more transcripts); c.1117+87A>G (NM_001370139.1, NM_001370140.1, NM_001370141.1 and 3 more transcripts); c.846+5766A>G (NM_001370133.1); c.193-3683A>G (NM_001370134.1); c.929-1775A>G (NM_001370143.1, NM_001370144.1); c.193-13478A>G (NM_001370135.1); short protein forms T402A.
Identifiers: ClinVar variation 2632658 (VCV002632658.1), dbSNP rs2548951720, ClinGen allele CA377285307.